The following is an entry in ClinVar:

NM_000834.5(GRIN2B):c.2116A>G (p.Met706Val)

Gene: GRIN2B (glutamate ionotropic receptor NMDA type subunit 2B; minus strand). Cytogenetic location: 12p13.1.
Variant type: single nucleotide variant.
Coding change: c.2116A>G on transcript NM_000834.5 (MANE Select); coding-DNA position 2116, A replaced by G.
Protein change: p.Met706Val; replaces methionine 706 with valine.
Molecular consequence: missense variant.
Genome position (GRCh38, 1-based): chr12:13,571,859, T>C on the plus strand (A>G on the coding strand, the complement: GRIN2B is on the minus strand). VCF-style: chr12-13571859-T-C. GRCh37 (hg19) VCF-style: chr12-13724793-T-C.
Other names: short protein forms M706V.
Identifiers: ClinVar variation 374226 (VCV000374226.17), dbSNP rs1057518988, ClinGen allele CA16043627.

ClinVar aggregate classification (germline): Pathogenic/Likely pathogenic. Review status: criteria provided, multiple submitters, no conflicts (2 of 4 stars). 7 submissions from 7 submitters: Pathogenic (2); Likely pathogenic (1). 4 of the submissions do not count toward it. Last evaluated 2026-01-15.

Conditions:
Intellectual developmental disorder, autosomal dominant 6, with or without seizures. Also called: Intellectual disability, autosomal dominant 6; GRIN2B-related developmental delay, intellectual disability and autism spectrum disorder. Identifiers: Orphanet 589547, MedGen C3151411, MONDO:0013509, OMIM 613970.
Ataxia. Identifiers: MedGen C0004134, HP:0001251.
Epilepsy. Also called: Seizure disorder. Identifiers: MedGen C0014544, MeSH D004827, MONDO:0005027.
intellectual deficiency. Identifiers: MedGen CN228659.
Developmental and epileptic encephalopathy, 27 (DEE27). Also called: GRIN2B-Related Neurodevelopmental Disorder; Epileptic encephalopathy, early infantile, 27. Identifiers: Orphanet 3451, MedGen C4015316, MONDO:0014505, OMIM 616139.

Submissions (7):

Labcorp Genetics (formerly Invitae), Labcorp
Classification: Pathogenic for Developmental and epileptic encephalopathy, 27; Intellectual developmental disorder, autosomal dominant 6, with or without seizures. Last evaluated: 2026-01-15. Review status: criteria provided, single submitter. Criteria: Invitae Variant Classification Sherloc (09022015). Collection method: clinical testing. Allele origin: germline.
Comment: This sequence change replaces methionine, which is neutral and non-polar, with valine, which is neutral and non-polar, at codon 706 of the GRIN2B protein (p.Met706Val). This variant is not present in population databases (gnomAD no frequency). This missense change has been observed in individual(s) with clinical features of GRIN2B-related conditions (PMID: 27818011, 28333917, 28377535, 28867141, 33057194, 35982159). In at least one individual the variant was observed to be de novo. ClinVar contains an entry for this variant (Variation ID: 374226). Invitae Evidence Modeling of protein sequence and biophysical properties (such as structural, functional, and spatial information, amino acid conservation, physicochemical variation, residue mobility, and thermodynamic stability) indicates that this missense variant is expected to disrupt GRIN2B protein function with a positive predictive value of 95%. Experimental studies have shown that this missense change does not substantially affect GRIN2B function (PMID: 28377535). For these reasons, this variant has been classified as Pathogenic.

GeneDx
Classification: Pathogenic. Last evaluated: 2024-02-02. Review status: criteria provided, single submitter. Criteria: GeneDx Variant Classification Process June 2021. Collection method: clinical testing. Allele origin: germline. Affected: yes.
Comment: Not observed at significant frequency in large population cohorts (gnomAD); In silico analysis supports that this missense variant has a deleterious effect on protein structure/function; This variant is associated with the following publications: (PMID: 35240744, 27818011, 28867141, 36645496, 27839871, 28333917, 28377535, 27479843)

Institute of Human Genetics, University of Leipzig Medical Center
Classification: Likely pathogenic for Intellectual developmental disorder, autosomal dominant 6, with or without seizures. Last evaluated: 2017-04-04. Review status: criteria provided, single submitter. Criteria: ACMG Guidelines, 2015. Collection method: clinical testing. Allele origin: de novo. Affected: yes.
Comment: This variant was identified as de novo (maternity and paternity confirmed).

Clinical Genetics DNA and cytogenetics Diagnostics Lab, Erasmus MC, Erasmus Medical Center
Classification: Pathogenic. Review status: no assertion criteria provided. Collection method: clinical testing. Allele origin: germline. Affected: yes. Study: VKGL Data-share Consensus. Not counted in ClinVar's aggregate classification.

Joint Genome Diagnostic Labs from Nijmegen and Maastricht, Radboudumc and MUMC+
Classification: Likely pathogenic. Review status: no assertion criteria provided. Collection method: clinical testing. Allele origin: germline. Affected: yes. Study: VKGL Data-share Consensus. Not counted in ClinVar's aggregate classification.

Laboratory of Diagnostic Genome Analysis, Leiden University Medical Center (LUMC)
Classification: Likely pathogenic. Review status: no assertion criteria provided. Collection method: clinical testing. Allele origin: germline. Affected: yes. Study: VKGL Data-share Consensus. Not counted in ClinVar's aggregate classification.

Laboratory of Molecular Genetics, CHU Rennes
Classification: Likely pathogenic for Ataxia; epilepsy; intellectual deficiency. Review status: no assertion criteria provided. Collection method: clinical testing. Allele origin: de novo. Affected: yes. Not counted in ClinVar's aggregate classification.

Literature cited by the submitters: PubMed 27818011 (cited by Labcorp Genetics (formerly Invitae), Labcorp); PubMed 28333917 (cited by Labcorp Genetics (formerly Invitae), Labcorp); PubMed 28377535 (cited by Labcorp Genetics (formerly Invitae), Labcorp and Institute of Human Genetics, University of Leipzig Medical Center); PubMed 28867141 (cited by Labcorp Genetics (formerly Invitae), Labcorp); PubMed 33057194 (cited by Labcorp Genetics (formerly Invitae), Labcorp); PubMed 35982159 (cited by Labcorp Genetics (formerly Invitae), Labcorp).